The following is an entry in ClinVar:

NM_001848.3(COL6A1):c.859-1G>C

Gene: COL6A1 (collagen type VI alpha 1 chain; plus strand). Cytogenetic location: 21q22.3.
Variant type: single nucleotide variant.
Coding change: c.859-1G>C on transcript NM_001848.3 (MANE Select); the canonical splice acceptor site of the intron before coding-DNA position 859, G replaced by C.
Molecular consequence: splice acceptor variant.
Genome position (GRCh38, 1-based): chr21:45,989,607, G>C. VCF-style: chr21-45989607-G-C. GRCh37 (hg19) VCF-style: chr21-47409521-G-C.
Identifiers: ClinVar variation 497161 (VCV000497161.14), dbSNP rs1556425531, ClinGen allele CA410521712.

ClinVar aggregate classification (germline): Pathogenic/Likely pathogenic. Review status: criteria provided, multiple submitters, no conflicts (2 of 4 stars). 2 submissions from 2 submitters: Pathogenic (1); Likely pathogenic (1). Last evaluated 2019-04-24.

Conditions:
Bethlem myopathy 1A. Also called: Bethlem Muscular Dystrophy; MYOPATHY, BENIGN CONGENITAL, WITH CONTRACTURES; Bethlem myopathy 1. Identifiers: Orphanet 610, MedGen CN029274, MONDO:0024530, OMIM 158810.

Submissions (2):

Labcorp Genetics (formerly Invitae), Labcorp
Classification: Likely pathogenic for Bethlem myopathy 1A. Last evaluated: 2019-04-24. Review status: criteria provided, single submitter. Criteria: Invitae Variant Classification Sherloc (09022015). Collection method: clinical testing. Allele origin: germline.
Comment: Donor and acceptor splice site variants typically lead to a loss of protein function (PMID: 16199547), and loss-of-function variants in COL6A1 are known to be pathogenic (PMID: 21280092, 20976770). In addition, donor and acceptor splice site variants in COL6A1 that result in in-frame exon skipping have also been reported to cause autosomal dominant COL6A1-related conditions (PMID: 18366090). In summary, the currently available evidence indicates that the variant is pathogenic, but additional data are needed to prove that conclusively. Therefore, this variant has been classified as Likely Pathogenic. Algorithms developed to predict the effect of sequence changes on RNA splicing suggest that this variant may disrupt the consensus splice site, but this prediction has not been confirmed by published transcriptional studies. This sequence change affects an acceptor splice site in intron 9 of the COL6A1 gene. It is expected to disrupt RNA splicing and likely results in an absent or disrupted protein product. This variant is not present in population databases (ExAC no frequency). This variant has been observed in a family affected with Bethlem myopathy (PMID: 29419890). ClinVar contains an entry for this variant (Variation ID: 497161).

Eurofins Ntd Llc (ga)
Classification: Pathogenic. Last evaluated: 2016-10-01. Review status: criteria provided, single submitter. Criteria: EGL Classification Definitions 2015. Collection method: clinical testing. Allele origin: germline. Observed: 2 variant alleles, 2 heterozygotes.

Literature cited by the submitters: PubMed 16199547 (cited by Labcorp Genetics (formerly Invitae), Labcorp); PubMed 21280092 (cited by Labcorp Genetics (formerly Invitae), Labcorp); PubMed 20976770 (cited by Labcorp Genetics (formerly Invitae), Labcorp); PubMed 18366090 (cited by Labcorp Genetics (formerly Invitae), Labcorp); PubMed 29419890 (cited by Labcorp Genetics (formerly Invitae), Labcorp).